The following is an entry in ClinVar:

ClinVar aggregate classification (germline): Conflicting classifications of pathogenicity. Review status: criteria provided, conflicting classifications (1 of 4 stars). 2 submissions from 2 submitters: Uncertain significance (1); Likely benign (1). Last evaluated 2025-10-08.

Conditions:
Cardiovascular phenotype. Identifiers: MedGen CN230736.
RASopathy. Also called: rasopathies; Noonan spectrum disorder. Identifiers: Orphanet 536391, MedGen C5555857, MONDO:0021060.

Allele frequency attached by ClinVar (database versions not stated): gnomAD 0.00001.

Submissions (2):

Labcorp Genetics (formerly Invitae), Labcorp
Classification: Likely benign for RASopathy. Last evaluated: 2025-10-08. Review status: criteria provided, single submitter. Criteria: Invitae Variant Classification Sherloc (09022015). Collection method: clinical testing. Allele origin: germline.

Ambry Genetics
Classification: Uncertain significance for Cardiovascular phenotype. Last evaluated: 2019-12-30. Review status: criteria provided, single submitter. Criteria: Ambry Variant Classification Scheme 2023. Collection method: clinical testing. Allele origin: germline.
Comment: The c.757-5T>C intronic variant results from a T to C substitution 5 nucleotides upstream from coding exon 7 in the PTPN11 gene. This nucleotide position is not well conserved in available vertebrate species. Using the BDGP and ESEfinder splice site prediction tools, this alteration is not predicted to have any significant effect on this splice acceptor site; however, direct evidence is unavailable. Since supporting evidence is limited at this time, the clinical significance of this alteration remains unclear.

NM_002834.5(PTPN11):c.757-5T>C

Gene: PTPN11 (protein tyrosine phosphatase non-receptor type 11; plus strand). Cytogenetic location: 12q24.13.
Variant type: single nucleotide variant.
Coding change: c.757-5T>C on transcript NM_002834.5 (MANE Select); 5 bases into the intron before coding-DNA position 757, T replaced by C.
Molecular consequence: intron variant.
Genome position (GRCh38, 1-based): chr12:112,472,939, T>C. VCF-style: chr12-112472939-T-C. GRCh37 (hg19) VCF-style: chr12-112910743-T-C.
Other names: c.757-5T>C (NM_001330437.2, NM_080601.3); c.754-5T>C (NM_001374625.1).
Identifiers: ClinVar variation 741984 (VCV000741984.11), dbSNP rs1442154422, ClinGen allele CA607379393.